The following is an entry in ClinVar:

ClinVar aggregate classification (germline): Pathogenic (1 of 4 stars; one submission).

Conditions:
Danon disease. Also called: Glycogen Storage Disease Type IIb; ANTOPOL DISEASE; PSEUDOGLYCOGENOSIS II; GSD IIb; LYSOSOMAL GLYCOGEN STORAGE DISEASE WITHOUT ACID MALTASE DEFICIENCY. Identifiers: Orphanet 34587, MedGen C0878677, MONDO:0010281, OMIM 300257.

Submission:

Labcorp Genetics (formerly Invitae), Labcorp
Classification: Pathogenic for Danon disease. Last evaluated: 2024-02-04. Review status: criteria provided, single submitter. Criteria: Invitae Variant Classification Sherloc (09022015). Collection method: clinical testing. Allele origin: germline.
Comment: This sequence change creates a premature translational stop signal (p.Gln166*) in the LAMP2 gene. It is expected to result in an absent or disrupted protein product. Loss-of-function variants in LAMP2 are known to be pathogenic (PMID: 21415759). This variant is not present in population databases (gnomAD no frequency). This variant has not been reported in the literature in individuals affected with LAMP2-related conditions. For these reasons, this variant has been classified as Pathogenic.

Literature cited by the submitters: PubMed 21415759.

NM_002294.3(LAMP2):c.496C>T (p.Gln166Ter)

Gene: LAMP2 (lysosome associated membrane protein 2; minus strand). Cytogenetic location: Xq24.
Variant type: single nucleotide variant.
Coding change: c.496C>T on transcript NM_002294.3 (MANE Select); coding-DNA position 496, C replaced by T.
Protein change: p.Gln166Ter; replaces glutamine 166 with a stop codon.
Molecular consequence: nonsense.
Genome position (GRCh38, 1-based): chrX:120,449,030, G>A on the plus strand (C>T on the coding strand, the complement: LAMP2 is on the minus strand). VCF-style: chrX-120449030-G-A. GRCh37 (hg19) VCF-style: chrX-119582885-G-A.
Other names: c.496C>T, p.Gln166Ter (NM_001122606.1, NM_013995.2); short protein forms Q166*.
Identifiers: ClinVar variation 3638815 (VCV003638815.2).